The following is an entry in ClinVar:

ClinVar aggregate classification (germline): Likely benign (1 of 4 stars; one submission).

Allele frequency attached by ClinVar (database versions not stated): gnomAD exomes 0.00079; 1000 Genomes Project 30x 0.00359; 1000 Genomes Project 0.00399; gnomAD 0.00483; TOPMed 0.00525.
gnomAD v4.1: 1,145 of 625,932 alleles (0.18%); highest among the groups gnomAD compares: African/African-American, 1.6%; 9 homozygotes.

Submission:

GeneDx
Classification: Likely benign. Last evaluated: 2020-02-06. Review status: criteria provided, single submitter. Criteria: GeneDx Variant Classification Process June 2021. Collection method: clinical testing. Allele origin: germline. Affected: yes.
Comment: See Variant Classification Assertion Criteria.

NM_001204424.2(RGS6):c.536+147C>T

Gene: RGS6 (regulator of G protein signaling 6; plus strand). Cytogenetic location: 14q24.2.
Variant type: single nucleotide variant.
Coding change: c.536+147C>T on transcript NM_001204424.2 (MANE Select); 147 bases into the intron after coding-DNA position 536, C replaced by T.
Molecular consequence: intron variant.
Genome position (GRCh38, 1-based): chr14:72,470,230, C>T. VCF-style: chr14-72470230-C-T. GRCh37 (hg19) VCF-style: chr14-72936938-C-T.
Other names: c.536+147C>T (NM_001370270.1, NM_001370289.1, NM_001370282.1 and 29 more transcripts); c.431+147C>T (NM_001204423.2).
Identifiers: ClinVar variation 1707294 (VCV001707294.2), dbSNP rs142584627, ClinGen allele CA262545943.